The following is an entry in ClinVar:

ClinVar aggregate classification (germline): Uncertain significance (1 of 4 stars; one submission).

Conditions:
Hereditary cancer-predisposing syndrome. Also called: Neoplastic Syndromes, Hereditary; Tumor predisposition; Hereditary Cancer Syndrome; Hereditary neoplastic syndrome. Identifiers: Orphanet 140162, MedGen C0027672, MeSH D009386, MONDO:0015356.

Submission:

Ambry Genetics
Classification: Uncertain significance for Hereditary cancer-predisposing syndrome. Last evaluated: 2021-04-14. Review status: criteria provided, single submitter. Criteria: Ambry Variant Classification Scheme 2023. Collection method: clinical testing. Allele origin: germline.
Comment: The p.L579I variant (also known as c.1735C>A), located in coding exon 14 of the POT1 gene, results from a C to A substitution at nucleotide position 1735. The leucine at codon 579 is replaced by isoleucine, an amino acid with highly similar properties. This amino acid position is not well conserved in available vertebrate species. In addition, this alteration is predicted to be tolerated by in silico analysis. Since supporting evidence is limited at this time, the clinical significance of this alteration remains unclear.

NM_015450.3(POT1):c.1735C>A (p.Leu579Ile)

Gene: POT1 (protection of telomeres 1; minus strand). Cytogenetic location: 7q31.33.
Variant type: single nucleotide variant.
Coding change: c.1735C>A on transcript NM_015450.3 (MANE Select); coding-DNA position 1735, C replaced by A.
Protein change: p.Leu579Ile; replaces leucine 579 with isoleucine.
Molecular consequence: missense variant. On other transcripts: non-coding transcript variant (3).
Genome position (GRCh38, 1-based): chr7:124,825,309, G>T on the plus strand (C>A on the coding strand, the complement: POT1 is on the minus strand). VCF-style: chr7-124825309-G-T. GRCh37 (hg19) VCF-style: chr7-124465363-G-T.
Other names: c.1342C>A, p.Leu448Ile (NM_001042594.2); short protein forms L448I, L579I.
Identifiers: ClinVar variation 1779056 (VCV001779056.2), dbSNP rs2485338211, ClinGen allele CA369062356.